The following is an entry in ClinVar:

NM_001039348.3(EFEMP1):c.1480T>C (p.Ter494Gln)

Gene: EFEMP1 (EGF-like fibulin extracellular matrix protein 1; minus strand). Cytogenetic location: 2p16.1.
Variant type: single nucleotide variant.
Coding change: c.1480T>C on transcript NM_001039348.3 (MANE Select); coding-DNA position 1480, T replaced by C.
Protein change: p.Ter494Gln.
Molecular consequence: stop lost.
Genome position (GRCh38, 1-based): chr2:55,867,075, A>G on the plus strand (T>C on the coding strand, the complement: EFEMP1 is on the minus strand). VCF-style: chr2-55867075-A-G. GRCh37 (hg19) VCF-style: chr2-56094210-A-G.
Other names: T-C, NT1480; c.1480T>C, p.Ter494Gln (NM_001039349.3).
Identifiers: ClinVar variation 1294422 (VCV001294422.7), dbSNP rs2104360072, ClinGen allele CA347027276.

ClinVar aggregate classification (germline): Pathogenic. Review status: criteria provided, single submitter (1 of 4 stars). 3 submissions from 3 submitters: Pathogenic (1). 2 of the submissions do not count toward it. Last evaluated 2023-06-21.

Conditions:
Glaucoma of childhood. Also called: Childhood glaucoma; Infantile glaucoma; Pediatric glaucoma; Juvenile open angle glaucoma; Developmental glaucoma. Identifiers: Orphanet 98977, MedGen C2981140, MONDO:0020367, HP:0001087.
Glaucoma 1, open angle, H. Also called: GLC1H. Identifiers: MedGen C1969811, OMIM 611276, MONDO:0012646.

Submissions (3):

Labcorp Genetics (formerly Invitae), Labcorp
Classification: Pathogenic. Last evaluated: 2023-06-21. Review status: criteria provided, single submitter. Criteria: Invitae Variant Classification Sherloc (09022015). Collection method: clinical testing. Allele origin: germline.
Comment: Algorithms developed to predict the effect of variants on protein structure and function are not available or were not evaluated for this variant. For these reasons, this variant has been classified as Pathogenic. Experimental studies have shown that this protein extension affects EFEMP1 function (PMID: 34923728). ClinVar contains an entry for this variant (Variation ID: 1294422). This protein extension has been observed in individual(s) with juvenile‐ onset primary open‐angle glaucoma (PMID: 34923728). It has also been observed to segregate with disease in related individuals. This variant is not present in population databases (gnomAD no frequency). This sequence change disrupts the translational stop signal of the EFEMP1 mRNA. It is expected to extend the length of the EFEMP1 protein by 29 additional amino acid residues.

OMIM
Classification: Pathogenic for GLAUCOMA 1, OPEN ANGLE, H. Last evaluated: 2024-03-18. Review status: no assertion criteria provided. Collection method: literature only. Allele origin: germline. Not counted in ClinVar's aggregate classification.

Janey Wiggs Laboratory, Massachusetts Eye and Ear, Harvard Medical School
Classification: Pathogenic for Glaucoma of childhood. Last evaluated: 2021-09-23. Review status: no assertion criteria provided. Collection method: research. Allele origin: germline. Inheritance: Autosomal dominant inheritance. Affected: yes. Observed: 1 heterozygote. Not counted in ClinVar's aggregate classification.
Comment: The c.1480T>C variant in EFEMP1 causes the stop codon to be lost and adds an additional 29 amino acids to the C-terminus of the protein. This variant has been reported in a Filipino family (Collantes et al, in revision) and segregated with disease in 24 individuals (17 affected) and was absent from last population studies. Additionally, invitro functional studies indicate that c.1480T>C causes intracellular protein aggregation potentially related to disease pathogenesis. In summary the c.1480T>C variant meets criteria to be classified as pathogenic based upon segregation studies, absence from controls and functional evidence.

Literature cited by the submitters: PubMed 34923728 (cited by Labcorp Genetics (formerly Invitae), Labcorp); Collantes, E. R. A., Delfin, M. S., Fan, B., Torregosa, J. M. R., Siguan-Bell, C., Vincent de Guzman Florcruz, N., Martinez, J. M. D., Joy Masna-Hidalgo, B., Guzman, V. P. T., Anotado-Flores, J. F., Levina, F. D., Hernandez, S. R. C., Collantes, A. A., Sibulo, M. C., Rong, S., Wiggs, J. L. EFEMP1 rare variants cause familial juvenile-onset open-angle glaucoma. Hum. Mutat. 43: 1343, 2022. Note: Erratum: Hum. Mutat. 43: 1343 only, 2022. (cited by OMIM).